The following is an entry in ClinVar:

ClinVar aggregate classification (germline): Uncertain significance. Review status: criteria provided, multiple submitters, no conflicts (2 of 4 stars). 2 submissions from 2 submitters: Uncertain significance (2). Last evaluated 2023-06-26.

Conditions:
Cardiovascular phenotype. Identifiers: MedGen CN230736.
Arrhythmogenic right ventricular dysplasia 5. Also called: Arrhythmogenic Right Ventricular Dysplasia/Cardiomyopathy 5; ARRHYTHMOGENIC RIGHT VENTRICULAR DYSPLASIA, FAMILIAL, 5. Identifiers: MedGen C1858379, MONDO:0011459, OMIM 604400.

Allele frequency attached by ClinVar (database versions not stated): gnomAD exomes below 0.00001.
gnomAD v4.1: 1 of 1,614,196 alleles (0.000062%); highest among the groups gnomAD compares: Admixed American, 0.0017%; no homozygotes.

Submissions (2):

All of Us Research Program, National Institutes of Health
Classification: Uncertain significance for Arrhythmogenic right ventricular dysplasia 5. Last evaluated: 2023-06-26. Review status: criteria provided, single submitter. Criteria: ACMG Guidelines, 2015. Collection method: clinical testing. Allele origin: germline. Inheritance: Autosomal dominant inheritance. Observed: 1 variant allele, 1 heterozygote.
Comment: This missense variant replaces methionine with isoleucine at codon 306 of the TMEM43 protein. Computational prediction suggests that this variant may not impact protein structure and function (internally defined REVEL score threshold <= 0.5, PMID: 27666373). To our knowledge, functional studies have not been reported for this variant. This variant has not been reported in individuals affected with TMEM43-related disorders in the literature. This variant has not been identified in the general population by the Genome Aggregation Database (gnomAD). The available evidence is insufficient to determine the role of this variant in disease conclusively. Therefore, this variant is classified as a Variant of Uncertain Significance.

This study involves interpretation of variants in research participants for the purpose of population health screening. Participant phenotype was not available at the time of variant classification. Additional details can be found in publication PMID: 35346344, PMCID: PMC8962531

Ambry Genetics
Classification: Uncertain significance for Cardiovascular phenotype. Last evaluated: 2022-01-19. Review status: criteria provided, single submitter. Criteria: Ambry Variant Classification Scheme 2023. Collection method: clinical testing. Allele origin: germline.
Comment: The p.M306I variant (also known as c.918G>T), located in coding exon 11 of the TMEM43 gene, results from a G to T substitution at nucleotide position 918. The methionine at codon 306 is replaced by isoleucine, an amino acid with highly similar properties. This amino acid position is conserved. In addition, this alteration is predicted to be tolerated by in silico analysis. Since supporting evidence is limited at this time, the clinical significance of this alteration remains unclear.

NM_024334.3(TMEM43):c.918G>T (p.Met306Ile)

Gene: TMEM43 (transmembrane protein 43; plus strand). Cytogenetic location: 3p25.1.
Variant type: single nucleotide variant.
Coding change: c.918G>T on transcript NM_024334.3 (MANE Select); coding-DNA position 918, G replaced by T.
Protein change: p.Met306Ile; replaces methionine 306 with isoleucine.
Molecular consequence: missense variant.
Genome position (GRCh38, 1-based): chr3:14,139,215, G>T. VCF-style: chr3-14139215-G-T. GRCh37 (hg19) VCF-style: chr3-14180715-G-T.
Other names: c.921G>T, p.Met307Ile (NM_001407274.1); c.915G>T, p.Met305Ile (NM_001407275.1, NM_001407276.1); c.912G>T, p.Met304Ile (NM_001407277.1); c.903G>T, p.Met301Ile (NM_001407278.1); c.843G>T, p.Met281Ile (NM_001407279.1); c.768G>T, p.Met256Ile (NM_001407280.1); short protein forms M281I, M307I, M301I, M304I, M305I, M256I, M306I.
Identifiers: ClinVar variation 1766115 (VCV001766115.3), dbSNP rs1695217022, ClinGen allele CA351536153.